The following is an entry in ClinVar:

NM_001267550.2(TTN):c.104044C>T (p.Arg34682Cys)

Genes: TTN-AS1 (TTN antisense RNA 1; plus strand), TTN (titin; minus strand). Cytogenetic location: 2q31.2.
Variant type: single nucleotide variant.
Coding change: c.104044C>T on transcript NM_001267550.2 (MANE Select); coding-DNA position 104044, C replaced by T.
Protein change: p.Arg34682Cys; replaces arginine 34682 with cysteine.
Molecular consequence: missense variant.
Genome position (GRCh38, 1-based): chr2:178,532,571, G>A on the plus strand (C>T on the coding strand, the complement: TTN is on the minus strand). VCF-style: chr2-178532571-G-A. GRCh37 (hg19) VCF-style: chr2-179397298-G-A.
Other names: c.99121C>T, p.Arg33041Cys (NM_001256850.1); c.76849C>T, p.Arg25617Cys (NM_003319.4); c.96340C>T, p.Arg32114Cys (NM_133378.4); c.77224C>T, p.Arg25742Cys (NM_133432.3); c.77425C>T, p.Arg25809Cys (NM_133437.4); short protein forms R25617C, R25742C, R25809C, R32114C, R34682C, R33041C.
Identifiers: ClinVar variation 1357629 (VCV001357629.8), dbSNP rs1290406597, ClinGen allele CA349412679.
Genomic context (GRCh38, chr2:178,532,571, plus strand): 5'-GTGGAGGGCTTCGACTTGGGGGTGAAGCTGAAAAACCTAACTCAAGCTCTTCTTCAAGAC[G>A]CAGCCTCTCTTCCTCTGTTCTTTTCATTGCTAAGTAGTCATCAATGGGGAGGAGTAATTC-3'
Protein context (NP_001254479.2, residues 34672-34692): AMKRTEEERL[Arg34682Cys]LEEELELGFS

ClinVar aggregate classification (germline): Uncertain significance (1 of 4 stars; one submission).

Conditions:
Dilated cardiomyopathy 1G (CMD1G). Identifiers: Orphanet 154, MedGen C1858763, MONDO:0011400, OMIM 604145.
Autosomal recessive limb-girdle muscular dystrophy type 2J (LGMDR10). Also called: Limb-girdle muscular dystrophy, type 2J; MUSCULAR DYSTROPHY, LIMB-GIRDLE, AUTOSOMAL RECESSIVE 10. Identifiers: Orphanet 140922, MedGen C1837342, MONDO:0012127, OMIM 608807.

Allele frequency attached by ClinVar (database versions not stated): gnomAD exomes below 0.00001 and 0.00001; gnomAD 0.00001.
gnomAD v4.1: 8 of 1,613,812 alleles (0.0005%); highest among the groups gnomAD compares: South Asian, 0.0022%; 1 homozygote.

Submission:

Labcorp Genetics (formerly Invitae), Labcorp
Classification: Uncertain significance for Dilated cardiomyopathy 1G; Autosomal recessive limb-girdle muscular dystrophy type 2J. Last evaluated: 2025-10-14. Review status: criteria provided, single submitter. Criteria: Invitae Variant Classification Sherloc (09022015). Collection method: clinical testing. Allele origin: germline.
Comment: This sequence change replaces arginine, which is basic and polar, with cysteine, which is neutral and slightly polar, at codon 34682 of the TTN protein (p.Arg34682Cys). This variant is present in population databases (no rsID available, gnomAD 0.002%). This variant has not been reported in the literature in individuals affected with TTN-related conditions. This variant is located in the M band of TTN (PMID: 25589632). Non-truncating variants in this region may be relevant for neuromuscular disorders, but have not been definitively shown to cause cardiomyopathy (PMID: 23975875). ClinVar contains an entry for this variant (Variation ID: 1357629). Experimental studies and prediction algorithms are not available or were not evaluated, and the functional significance of this variant is currently unknown. In summary, the available evidence is currently insufficient to determine the role of this variant in disease. Therefore, it has been classified as a Variant of Uncertain Significance.

Literature cited by the submitters: PubMed 25589632; PubMed 23975875.